The following is an entry in ClinVar:

NM_016532.4(INPP5K):c.301T>G (p.Phe101Val)

Gene: INPP5K (inositol polyphosphate-5-phosphatase K; minus strand). Cytogenetic location: 17p13.3.
Variant type: single nucleotide variant.
Coding change: c.301T>G on transcript NM_016532.4 (MANE Select); coding-DNA position 301, T replaced by G.
Protein change: p.Phe101Val; replaces phenylalanine 101 with valine.
Molecular consequence: missense variant.
Genome position (GRCh38, 1-based): chr17:1,509,760, A>C on the plus strand (T>G on the coding strand, the complement: INPP5K is on the minus strand). VCF-style: chr17-1509760-A-C. GRCh37 (hg19) VCF-style: chr17-1413054-A-C.
Other names: c.73T>G, p.Phe25Val (NM_001135642.2, NM_130766.3); short protein forms F101V, F25V.
Identifiers: ClinVar variation 3359632 (VCV003359632.1).

ClinVar aggregate classification (germline): Uncertain significance (1 of 4 stars; one submission).

gnomAD v4.1: 8 of 1,613,644 alleles (0.0005%); highest among the groups gnomAD compares: Non-Finnish European, 0.00059%; no homozygotes.

Submission:

GeneDx
Classification: Uncertain significance. Last evaluated: 2023-06-12. Review status: criteria provided, single submitter. Criteria: GeneDx Variant Classification Process June 2021. Collection method: clinical testing. Allele origin: germline. Affected: yes.
Comment: Not observed at significant frequency in large population cohorts (gnomAD); In silico analysis supports that this missense variant has a deleterious effect on protein structure/function; Has not been previously published as pathogenic or benign to our knowledge